The following is an entry in ClinVar:

NM_006302.3(MOGS):c.2434C>T (p.Arg812Cys)

Gene: MOGS (mannosyl-oligosaccharide glucosidase; minus strand). Cytogenetic location: 2p13.1.
Variant type: single nucleotide variant.
Coding change: c.2434C>T on transcript NM_006302.3 (MANE Select); coding-DNA position 2434, C replaced by T.
Protein change: p.Arg812Cys; replaces arginine 812 with cysteine.
Molecular consequence: missense variant.
Genome position (GRCh38, 1-based): chr2:74,461,355, G>A on the plus strand (C>T on the coding strand, the complement: MOGS is on the minus strand). VCF-style: chr2-74461355-G-A. GRCh37 (hg19) VCF-style: chr2-74688482-G-A.
Other names: c.2434C>T, p.Arg812Cys (LRG_1226t1); c.2116C>T, p.Arg706Cys (NM_001146158.2); short protein forms R812C, R706C.
Identifiers: ClinVar variation 197276 (VCV000197276.12), dbSNP rs368859958, ClinGen allele CA245316.
Genomic context (GRCh38, chr2:74,461,355, plus strand): 5'-CCAGTAAGACAAGGCTGGTCCAGCCGTGGAAAGGGCGGCAGCCCATGCCTCGCCCATCGC[G>A]GTCACTGTACTGCTCCCAAAGAAAGCCTGTAGCCTGGTACTGGCGCCATACATTGCCTAC-3'
Protein context (NP_006293.2, residues 802-822): TGFLWEQYSD[Arg812Cys]DGRGMGCRPF

ClinVar aggregate classification (germline): Uncertain significance. Review status: criteria provided, multiple submitters, no conflicts (2 of 4 stars). 3 submissions from 3 submitters: Uncertain significance (3). Last evaluated 2022-10-17.

Conditions:
Inborn genetic diseases. Identifiers: MedGen C0950123, MeSH D030342.
MOGS-congenital disorder of glycosylation. Also called: MOGS-CDG; CDG IIb; CDG 2B; GLUCOSIDASE I DEFICIENCY. Identifiers: Orphanet 79330, MedGen C1853736, MONDO:0011629, OMIM 606056.

Allele frequency attached by ClinVar (database versions not stated): gnomAD 0.00012; ESP Exome Variant Server 0.00016; TOPMed 0.00022.
gnomAD v4.1: 350 of 1,613,984 alleles (0.022%); highest among the groups gnomAD compares: Admixed American, 0.027%; no homozygotes.

Submissions (3):

Labcorp Genetics (formerly Invitae), Labcorp
Classification: Uncertain significance for MOGS-congenital disorder of glycosylation. Last evaluated: 2022-10-17. Review status: criteria provided, single submitter. Criteria: Invitae Variant Classification Sherloc (09022015). Collection method: clinical testing. Allele origin: germline.
Comment: This sequence change replaces arginine, which is basic and polar, with cysteine, which is neutral and slightly polar, at codon 812 of the MOGS protein (p.Arg812Cys). This variant is present in population databases (rs368859958, gnomAD 0.03%). This variant has not been reported in the literature in individuals affected with MOGS-related conditions. ClinVar contains an entry for this variant (Variation ID: 197276). Advanced modeling of protein sequence and biophysical properties (such as structural, functional, and spatial information, amino acid conservation, physicochemical variation, residue mobility, and thermodynamic stability) performed at Invitae indicates that this missense variant is not expected to disrupt MOGS protein function. In summary, the available evidence is currently insufficient to determine the role of this variant in disease. Therefore, it has been classified as a Variant of Uncertain Significance.

Ambry Genetics
Classification: Uncertain significance for Inborn genetic diseases. Last evaluated: 2021-09-17. Review status: criteria provided, single submitter. Criteria: Ambry Variant Classification Scheme 2023. Collection method: clinical testing. Allele origin: germline.

Eurofins Ntd Llc (ga)
Classification: Uncertain significance. Last evaluated: 2017-10-05. Review status: criteria provided, single submitter. Criteria: EGL Classification Definitions 2015. Collection method: clinical testing. Allele origin: germline. Observed: 1 variant allele, 1 heterozygote.